The following is an entry in ClinVar:

NM_032888.4(COL27A1):c.1734_1743dup (p.Pro582fs)

Gene: COL27A1 (collagen type XXVII alpha 1 chain; plus strand). Cytogenetic location: 9q32.
Variant type: Duplication.
Coding change: c.1734_1743dup on transcript NM_032888.4 (MANE Select); coding-DNA positions 1734 to 1743, 10 bases duplicated (ACAGCCCCAG; older notation c.1734_1743dupACAGCCCCAG).
Protein change: p.Pro582fs; shifts the reading frame from proline 582.
Molecular consequence: frameshift variant.
Genome position (GRCh38, 1-based): chr9:114,169,289-114,169,298, ACAGCCCCAG duplicated; duplicating any 10 consecutive bases within chr9:114,169,281-114,169,298 gives the same sequence; the c. name uses the placement nearest the transcript's 3' end. VCF-style (leftmost placement, unchanged base first): chr9-114169280-T-TAGCCCCAGAC. GRCh37 (hg19) VCF-style: chr9-116931560-T-TAGCCCCAGAC.
Other names: short protein forms P582fs.
Identifiers: ClinVar variation 1413408 (VCV001413408.6), dbSNP rs2135087452, ClinGen allele CA2573143809.

ClinVar aggregate classification (germline): Pathogenic (1 of 4 stars; one submission).

Submission:

Labcorp Genetics (formerly Invitae), Labcorp
Classification: Pathogenic. Last evaluated: 2021-06-09. Review status: criteria provided, single submitter. Criteria: Invitae Variant Classification Sherloc (09022015). Collection method: clinical testing. Allele origin: germline.
Comment: For these reasons, this variant has been classified as Pathogenic. This variant has not been reported in the literature in individuals with COL27A1-related conditions. This variant is not present in population databases (ExAC no frequency). This sequence change creates a premature translational stop signal (p.Pro582Thrfs*114) in the COL27A1 gene. It is expected to result in an absent or disrupted protein product. Loss-of-function variants in COL27A1 are known to be pathogenic (PMID: 24986830, 28276056).

Literature cited by the submitters: PubMed 24986830; PubMed 28276056.